The following is an entry in ClinVar:

ClinVar aggregate classification (germline): Uncertain significance. Review status: criteria provided, multiple submitters, no conflicts (2 of 4 stars). 2 submissions from 2 submitters: Uncertain significance (2). Last evaluated 2024-06-10.

Conditions:
Primary ciliary dyskinesia. Also called: Ciliary dyskinesia. Identifiers: Orphanet 244, MedGen C0008780, MONDO:0016575, HP:0012265.

Allele frequency attached by ClinVar (database versions not stated): ExAC 0.00001; gnomAD 0.00002; TOPMed 0.00002; gnomAD exomes 0.00003; ESP Exome Variant Server 0.00008.
gnomAD v4.1: 49 of 1,612,196 alleles (0.003%); highest among the groups gnomAD compares: Non-Finnish European, 0.0037%; no homozygotes.

Submissions (2):

Ambry Genetics
Classification: Uncertain significance. Last evaluated: 2024-06-10. Review status: criteria provided, single submitter. Criteria: Ambry Variant Classification Scheme 2023. Collection method: clinical testing. Allele origin: germline.

Labcorp Genetics (formerly Invitae), Labcorp
Classification: Uncertain significance for Primary ciliary dyskinesia. Last evaluated: 2024-01-08. Review status: criteria provided, single submitter. Criteria: Invitae Variant Classification Sherloc (09022015). Collection method: clinical testing. Allele origin: germline.
Comment: This sequence change replaces asparagine, which is neutral and polar, with lysine, which is basic and polar, at codon 2179 of the DNAH8 protein (p.Asn2179Lys). This variant is present in population databases (rs373289918, gnomAD 0.002%). This variant has not been reported in the literature in individuals affected with DNAH8-related conditions. Advanced modeling of protein sequence and biophysical properties (such as structural, functional, and spatial information, amino acid conservation, physicochemical variation, residue mobility, and thermodynamic stability) performed at Invitae indicates that this missense variant is expected to disrupt DNAH8 protein function with a positive predictive value of 80%. In summary, the available evidence is currently insufficient to determine the role of this variant in disease. Therefore, it has been classified as a Variant of Uncertain Significance.

NM_001206927.2(DNAH8):c.6537C>A (p.Asn2179Lys)

Gene: DNAH8 (dynein axonemal heavy chain 8; plus strand). Cytogenetic location: 6p21.2.
Variant type: single nucleotide variant.
Coding change: c.6537C>A on transcript NM_001206927.2 (MANE Select); coding-DNA position 6537, C replaced by A.
Protein change: p.Asn2179Lys; replaces asparagine 2179 with lysine.
Molecular consequence: missense variant.
Genome position (GRCh38, 1-based): chr6:38,866,629, C>A. VCF-style: chr6-38866629-C-A. GRCh37 (hg19) VCF-style: chr6-38834405-C-A.
Other names: c.5886C>A, p.Asn1962Lys (NM_001371.4); c.6537C>A (NM_001206927.1); short protein forms N1962K, N2179K.
Identifiers: ClinVar variation 2796699 (VCV002796699.3), dbSNP rs373289918, ClinGen allele CA3789692.